The following is an entry in ClinVar:

NM_000126.4(ETFA):c.322_323del (p.Ile108fs)

Gene: ETFA (electron transfer flavoprotein subunit alpha; minus strand). Cytogenetic location: 15q24.2.
Variant type: Deletion.
Coding change: c.322_323del on transcript NM_000126.4 (MANE Select); coding-DNA positions 322 to 323, 2 bases deleted (AT; older notation c.322_323delAT).
Protein change: p.Ile108fs; shifts the reading frame from isoleucine 108.
Molecular consequence: frameshift variant.
Genome position (GRCh38, 1-based): chr15:76,292,459-76,292,460, AT deleted on the plus strand (AT on the coding strand, the reverse complement: ETFA is on the minus strand). VCF-style (leftmost placement, unchanged base first): chr15-76292458-GAT-G. GRCh37 (hg19) VCF-style: chr15-76584799-GAT-G.
Other names: c.175_176del, p.Ile59fs (NM_001127716.2); short protein forms I59fs, I108fs.
Identifiers: ClinVar variation 2901909 (VCV002901909.3), dbSNP rs765342744, ClinGen allele CA7673797.

ClinVar aggregate classification (germline): Pathogenic (1 of 4 stars; one submission).

Conditions:
Multiple acyl-CoA dehydrogenase deficiency (MADD). Also called: Glutaric Acidemia type 2; ETHYLMALONIC-ADIPICACIDURIA; GA II; Glutaric aciduria, type 2; Glutaric acidemia type II; GA 2. Identifiers: Orphanet 26791, MedGen C0268596, MONDO:0009282, OMIM 231680.

Allele frequency attached by ClinVar (database versions not stated): gnomAD exomes below 0.00001; ExAC 0.00001.

Submission:

Labcorp Genetics (formerly Invitae), Labcorp
Classification: Pathogenic for Multiple acyl-CoA dehydrogenase deficiency. Last evaluated: 2023-08-04. Review status: criteria provided, single submitter. Criteria: Invitae Variant Classification Sherloc (09022015). Collection method: clinical testing. Allele origin: germline.
Comment: This sequence change creates a premature translational stop signal (p.Ile108Leufs*20) in the ETFA gene. It is expected to result in an absent or disrupted protein product. Loss-of-function variants in ETFA are known to be pathogenic (PMID: 16510302, 23785301). This variant is present in population databases (rs765342744, gnomAD 0.003%). This variant has not been reported in the literature in individuals affected with ETFA-related conditions. For these reasons, this variant has been classified as Pathogenic.

Literature cited by the submitters: PubMed 16510302; PubMed 23785301.